The following is an entry in ClinVar:

NM_205836.3(FBXO38):c.510T>C (p.Asn170=)

Gene: FBXO38 (F-box protein 38; plus strand). Cytogenetic location: 5q32.
Variant type: single nucleotide variant.
Coding change: c.510T>C on transcript NM_205836.3 (MANE Select); coding-DNA position 510, T replaced by C.
Protein change: p.Asn170=; no amino-acid change (asparagine 170 retained).
Molecular consequence: synonymous variant.
Genome position (GRCh38, 1-based): chr5:148,402,431, T>C. VCF-style: chr5-148402431-T-C. GRCh37 (hg19) VCF-style: chr5-147781994-T-C.
Other names: c.510T>C, p.Asn170= (NM_001271723.2, NM_030793.5); c.510T>C (NM_030793.4).
Identifiers: ClinVar variation 1167899 (VCV001167899.11), dbSNP rs760368532, ClinGen allele CA3497049.

ClinVar aggregate classification (germline): Benign/Likely benign. Review status: criteria provided, multiple submitters, no conflicts (2 of 4 stars). 2 submissions from 2 submitters: Benign (1); Likely benign (1). Last evaluated 2025-10-09.

Conditions:
FBXO38-related disorder. Also called: FBXO38-related condition.
Distal hereditary motor neuropathy type 2. Identifiers: Orphanet 139525, MedGen C3711384, MeSH C580044, MONDO:0015352.

Allele frequency attached by ClinVar (database versions not stated): gnomAD 0.00002; gnomAD exomes 0.00005 and 0.00012; ExAC 0.00013.
gnomAD v4.1: 76 of 1,613,316 alleles (0.0047%); highest among the groups gnomAD compares: South Asian, 0.081%; no homozygotes.

Submissions (2):

PreventionGenetics, part of Exact Sciences
Classification: Likely benign for FBXO38-related condition. Last evaluated: 2025-10-09. Review status: criteria provided, single submitter. Criteria: ACMG Guidelines, 2015. Collection method: clinical testing. Allele origin: germline.
Comment: This variant is classified as likely benign based on ACMG/AMP sequence variant interpretation guidelines (Richards et al. 2015 PMID: 25741868, with internal and published modifications).

Labcorp Genetics (formerly Invitae), Labcorp
Classification: Benign for Distal hereditary motor neuropathy type 2. Last evaluated: 2020-03-01. Review status: criteria provided, single submitter. Criteria: Invitae Variant Classification Sherloc (09022015). Collection method: clinical testing. Allele origin: germline.